The following is an entry in ClinVar:

NM_001270508.2(TNFAIP3):c.372G>T (p.Lys124Asn)

Gene: TNFAIP3 (TNF alpha induced protein 3; plus strand). Cytogenetic location: 6q23.3.
Variant type: single nucleotide variant.
Coding change: c.372G>T on transcript NM_001270508.2 (MANE Select); coding-DNA position 372, G replaced by T.
Protein change: p.Lys124Asn; replaces lysine 124 with asparagine.
Molecular consequence: missense variant.
Genome position (GRCh38, 1-based): chr6:137,874,921, G>T. VCF-style: chr6-137874921-G-T. GRCh37 (hg19) VCF-style: chr6-138196058-G-T.
Other names: c.372G>T, p.Lys124Asn (NM_001270507.2, NM_006290.4); short protein forms K124N.
Identifiers: ClinVar variation 2717931 (VCV002717931.3), dbSNP rs2114477857, ClinGen allele CA365782041.

ClinVar aggregate classification (germline): Uncertain significance (1 of 4 stars; one submission).

Submission:

Labcorp Genetics (formerly Invitae), Labcorp
Classification: Uncertain significance. Last evaluated: 2024-02-05. Review status: criteria provided, single submitter. Criteria: Invitae Variant Classification Sherloc (09022015). Collection method: clinical testing. Allele origin: germline.
Comment: This sequence change replaces lysine, which is basic and polar, with asparagine, which is neutral and polar, at codon 124 of the TNFAIP3 protein (p.Lys124Asn). This variant is not present in population databases (gnomAD no frequency). This variant has not been reported in the literature in individuals affected with TNFAIP3-related conditions. This missense change has been observed in at least one individual who was not affected with TNFAIP3-related conditions (Invitae). Advanced modeling of protein sequence and biophysical properties (such as structural, functional, and spatial information, amino acid conservation, physicochemical variation, residue mobility, and thermodynamic stability) has been performed at Invitae for this missense variant, however the output from this modeling did not meet the statistical confidence thresholds required to predict the impact of this variant on TNFAIP3 protein function. In summary, the available evidence is currently insufficient to determine the role of this variant in disease. Therefore, it has been classified as a Variant of Uncertain Significance.